The following is an entry in ClinVar:

NM_005475.3(SH2B3):c.17T>G (p.Leu6Arg)

Gene: SH2B3 (SH2B adaptor protein 3; plus strand). Cytogenetic location: 12q24.12.
Variant type: single nucleotide variant.
Coding change: c.17T>G on transcript NM_005475.3 (MANE Select); coding-DNA position 17, T replaced by G.
Protein change: p.Leu6Arg; replaces leucine 6 with arginine.
Molecular consequence: missense variant.
Genome position (GRCh38, 1-based): chr12:111,418,162, T>G. VCF-style: chr12-111418162-T-G. GRCh37 (hg19) VCF-style: chr12-111855966-T-G.
Other names: short protein forms L6R.
Identifiers: ClinVar variation 3953572 (VCV003953572.2).

ClinVar aggregate classification (germline): Uncertain significance (1 of 4 stars; one submission).

Conditions:
Inborn genetic diseases. Identifiers: MedGen C0950123, MeSH D030342.

gnomAD v4.1: 1 of 1,535,276 alleles (0.000065%); no homozygotes.

Submission:

Ambry Genetics
Classification: Uncertain significance for Inborn genetic diseases. Last evaluated: 2025-06-22. Review status: criteria provided, single submitter. Criteria: Ambry Variant Classification Scheme 2023. Collection method: clinical testing. Allele origin: germline.
Comment: The p.L6R variant (also known as c.17T>G), located in coding exon 1 of the SH2B3 gene, results from a T to G substitution at nucleotide position 17. The leucine at codon 6 is replaced by arginine, an amino acid with dissimilar properties. This amino acid position is conserved. In addition, this alteration is predicted to be tolerated by in silico analysis. Based on the available evidence, the clinical significance of this variant remains unclear.